The following is an entry in ClinVar:

NM_032217.5(ANKRD17):c.1909G>A (p.Ala637Thr)

Gene: ANKRD17 (ankyrin repeat domain 17; minus strand). Cytogenetic location: 4q13.3.
Variant type: single nucleotide variant.
Coding change: c.1909G>A on transcript NM_032217.5 (MANE Select); coding-DNA position 1909, G replaced by A.
Protein change: p.Ala637Thr; replaces alanine 637 with threonine.
Molecular consequence: missense variant.
Genome position (GRCh38, 1-based): chr4:73,144,793, C>T on the plus strand (G>A on the coding strand, the complement: ANKRD17 is on the minus strand). VCF-style: chr4-73144793-C-T. GRCh37 (hg19) VCF-style: chr4-74010510-C-T.
Other names: c.1570G>A, p.Ala524Thr (NM_001286771.3); c.1909G>A, p.Ala637Thr (NM_015574.2, NM_198889.3); short protein forms A524T, A637T.
Identifiers: ClinVar variation 4685205 (VCV004685205.1).

ClinVar aggregate classification (germline): Uncertain significance (1 of 4 stars; one submission).

Submission:

GeneDx
Classification: Uncertain significance. Last evaluated: 2025-07-09. Review status: criteria provided, single submitter. Criteria: GeneDx Variant Classification Process June 2021. Collection method: clinical testing. Allele origin: germline. Affected: yes.
Comment: Not observed at significant frequency in large population cohorts (gnomAD); In silico analysis supports that this missense variant has a deleterious effect on protein structure/function; Has not been previously published as pathogenic or benign to our knowledge